The following is an entry in ClinVar:

NM_003000.3(SDHB):c.77C>A (p.Ser26Tyr)

Gene: SDHB (succinate dehydrogenase complex iron sulfur subunit B; minus strand). Cytogenetic location: 1p36.13.
Variant type: single nucleotide variant.
Coding change: c.77C>A on transcript NM_003000.3 (MANE Select); coding-DNA position 77, C replaced by A.
Protein change: p.Ser26Tyr; replaces serine 26 with tyrosine.
Molecular consequence: missense variant.
Genome position (GRCh38, 1-based): chr1:17,044,884, G>T on the plus strand (C>A on the coding strand, the complement: SDHB is on the minus strand). VCF-style: chr1-17044884-G-T. GRCh37 (hg19) VCF-style: chr1-17371379-G-T.
Other names: c.77C>A, p.Ser26Tyr (NM_001407361.1); short protein forms S26Y.
Identifiers: ClinVar variation 5029264 (VCV005029264.1).

ClinVar aggregate classification (germline): Uncertain significance (1 of 4 stars; one submission).

Conditions:
Hereditary cancer-predisposing syndrome. Also called: Neoplastic Syndromes, Hereditary; Tumor predisposition; Hereditary neoplastic syndrome; Hereditary Cancer Syndrome. Identifiers: Orphanet 140162, MedGen C0027672, MeSH D009386, MONDO:0015356.

Submission:

Ambry Genetics
Classification: Uncertain significance for Hereditary cancer-predisposing syndrome. Last evaluated: 2026-07-02. Review status: criteria provided, single submitter. Criteria: Ambry Variant Classification Scheme 2023. Collection method: clinical testing. Allele origin: germline.
Comment: The p.S26Y variant (also known as c.77C>A), located in coding exon 2 of the SDHB gene, results from a C to A substitution at nucleotide position 77. The serine at codon 26 is replaced by tyrosine, an amino acid with dissimilar properties. This amino acid position is conserved. In addition, the in silico prediction for this alteration is inconclusive. Based on the available evidence, the clinical significance of this variant remains unclear.